The following is an entry in ClinVar:

ClinVar aggregate classification (germline): Uncertain significance (1 of 4 stars; one submission).

Conditions:
Epileptic encephalopathy. Identifiers: MedGen C0543888, HP:0200134.

Submission:

Labcorp Genetics (formerly Invitae), Labcorp
Classification: Uncertain significance for Epileptic encephalopathy. Last evaluated: 2019-03-28. Review status: criteria provided, single submitter. Criteria: Invitae Variant Classification Sherloc (09022015). Collection method: clinical testing. Allele origin: germline.
Comment: This sequence change replaces isoleucine with methionine at codon 1685 of the FASN protein (p.Ile1685Met). The isoleucine residue is highly conserved and there is a small physicochemical difference between isoleucine and methionine. The frequency data for this variant in the population databases is considered unreliable, as metrics indicate insufficient coverage at this position in the ExAC database. This variant has not been reported in the literature in individuals with FASN-related conditions. Algorithms developed to predict the effect of missense changes on protein structure and function are either unavailable or do not agree on the potential impact of this missense change (SIFT: "Deleterious"; PolyPhen-2: "Probably Damaging"; Align-GVGD: "Class C0"). In summary, the available evidence is currently insufficient to determine the role of this variant in disease. Therefore, it has been classified as a Variant of Uncertain Significance.

NM_004104.5(FASN):c.5055C>G (p.Ile1685Met)

Gene: FASN (fatty acid synthase; minus strand). Cytogenetic location: 17q25.3.
Variant type: single nucleotide variant.
Coding change: c.5055C>G on transcript NM_004104.5 (MANE Select); coding-DNA position 5055, C replaced by G.
Protein change: p.Ile1685Met; replaces isoleucine 1685 with methionine.
Molecular consequence: missense variant.
Genome position (GRCh38, 1-based): chr17:82,084,018, G>C on the plus strand (C>G on the coding strand, the complement: FASN is on the minus strand). VCF-style: chr17-82084018-G-C. GRCh37 (hg19) VCF-style: chr17-80041894-G-C.
Other names: short protein forms I1685M.
Identifiers: ClinVar variation 841610 (VCV000841610.1), dbSNP rs748214805, ClinGen allele CA401541112.